The following is an entry in ClinVar:

ClinVar aggregate classification (germline): Uncertain significance (1 of 4 stars; one submission).

Conditions:
Cardiovascular phenotype. Identifiers: MedGen CN230736.

Submission:

Ambry Genetics
Classification: Uncertain significance for Cardiovascular phenotype. Last evaluated: 2024-12-17. Review status: criteria provided, single submitter. Criteria: Ambry Variant Classification Scheme 2023. Collection method: clinical testing. Allele origin: germline.
Comment: The p.G129S variant (also known as c.385G>A), located in coding exon 6 of the EYA4 gene, results from a G to A substitution at nucleotide position 385. The glycine at codon 129 is replaced by serine, an amino acid with similar properties. This amino acid position is conserved. In addition, the in silico prediction for this alteration is inconclusive. Based on the available evidence, the clinical significance of this variant remains unclear.

NM_004100.5(EYA4):c.385G>A (p.Gly129Ser)

Gene: EYA4 (EYA transcriptional coactivator and phosphatase 4; plus strand). Cytogenetic location: 6q23.2.
Variant type: single nucleotide variant.
Coding change: c.385G>A on transcript NM_004100.5 (MANE Select); coding-DNA position 385, G replaced by A.
Protein change: p.Gly129Ser; replaces glycine 129 with serine.
Molecular consequence: missense variant.
Genome position (GRCh38, 1-based): chr6:133,461,128, G>A. VCF-style: chr6-133461128-G-A. GRCh37 (hg19) VCF-style: chr6-133782266-G-A.
Other names: c.223G>A, p.Gly75Ser (NM_001301012.2, NM_001370459.1); c.385G>A, p.Gly129Ser (NM_001301013.2, NM_172105.4); c.316G>A, p.Gly106Ser (NM_001370458.1, NM_172103.4); short protein forms G75S, G106S, G129S.
Identifiers: ClinVar variation 3846928 (VCV003846928.1).